The following is an entry in ClinVar:

ClinVar aggregate classification (germline): Pathogenic. Review status: criteria provided, multiple submitters, no conflicts (2 of 4 stars). 4 submissions from 4 submitters: Pathogenic (4). Last evaluated 2025-10-28.

Conditions:
Hereditary cancer-predisposing syndrome. Also called: Neoplastic Syndromes, Hereditary; Tumor predisposition; Hereditary Cancer Syndrome; Hereditary neoplastic syndrome. Identifiers: Orphanet 140162, MedGen C0027672, MeSH D009386, MONDO:0015356.
BAP1-related tumor predisposition syndrome (TPDS1). Also called: Tumor susceptibility linked to germline BAP1 mutations; BAP1 tumor predisposition syndrome; COMMON Syndrome; TUMOR PREDISPOSITION SYNDROME 1. Identifiers: Orphanet 289539, MedGen C3280492, MONDO:0013692, OMIM 614327.

Submissions (4):

Color Diagnostics, LLC DBA Color Health
Classification: Pathogenic for Hereditary cancer-predisposing syndrome. Last evaluated: 2025-10-28. Review status: criteria provided, single submitter. Criteria: ACMG Guidelines, 2015. Collection method: clinical testing. Allele origin: germline.
Comment: This variant changes 1 nucleotide in exon 15 of the BAP1 gene, creating a premature translation stop signal. This variant is expected to result in an absent or non-functional protein product. To our knowledge, this variant has not been reported in individuals affected with BAP1-related disorders in the literature. This variant has not been identified in the general population by the Genome Aggregation Database (gnomAD). Loss of BAP1 function is a known mechanism of disease. Based on the available evidence, this variant is classified as Pathogenic.

Victorian Clinical Genetics Services, Murdoch Childrens Research Institute
Classification: Pathogenic for BAP1-related tumor predisposition syndrome. Last evaluated: 2024-10-08. Review status: criteria provided, single submitter. Criteria: ACMG Guidelines, 2015. Collection method: clinical testing. Allele origin: germline. Inheritance: Autosomal dominant inheritance.
Comment: Based on the classification scheme VCGS_Germline_v1.3.4, this variant is classified as Pathogenic. Following criteria are met: 0102 - Loss of function is a known mechanism of disease in this gene and is associated with tumour predisposition syndrome 1 (MIM#614327). Loss of function has also been reported for missense variants associated with Kury-Isidor syndrome (MIM#619762), however dominant negative has not been excluded (PMID: 35051358). (I) 0107 - This gene is associated with autosomal dominant disease. (I) 0201 - Variant is predicted to cause nonsense-mediated decay (NMD) and loss of protein (premature termination codon is located at least 54 nucleotides upstream of the final exon-exon junction). (SP) 0251 - This variant is heterozygous. (I) 0301 - Variant is absent from gnomAD (both v2 and v3). (SP) 0701 - Many other NMD-predicted variants comparable to the one identified in this case have very strong previous evidence for pathogenicity in individuals with tumour predisposition syndrome 1 (DECIPHER). (SP) 0803 - This variant has limited previous evidence of pathogenicity in an unrelated individual. This variant has been classified as pathogenic in ClinVar. (SP) 0905 - No published segregation evidence has been identified for this variant. (I) 1007 - No published functional evidence has been identified for this variant. (I) 1208 - Inheritance information for this variant is not currently available in this individual. (I) Legend: (SP) - Supporting pathogenic, (I) - Information, (SB) - Supporting benign

Molecular Pathology, Peter Maccallum Cancer Centre
Classification: Pathogenic for BAP1-related tumor predisposition syndrome. Last evaluated: 2024-06-20. Review status: criteria provided, single submitter. Criteria: ACMG Guidelines, 2015. Collection method: clinical testing. Allele origin: germline. Inheritance: Autosomal dominant inheritance.

Ambry Genetics
Classification: Pathogenic for Hereditary cancer-predisposing syndrome. Last evaluated: 2020-01-02. Review status: criteria provided, single submitter. Criteria: Ambry Variant Classification Scheme 2023. Collection method: clinical testing. Allele origin: germline.
Comment: The p.E640* pathogenic mutation (also known as c.1918G>T), located in coding exon 15 of the BAP1 gene, results from a G to T substitution at nucleotide position 1918. This changes the amino acid from a glutamic acid to a stop codon within coding exon 15. This alteration is expected to result in loss of function by premature protein truncation or nonsense-mediated mRNA decay. As such, this alteration is interpreted as a disease-causing mutation.

Literature cited by the submitters: PubMed 35051358 (cited by Victorian Clinical Genetics Services, Murdoch Childrens Research Institute).

NM_004656.4(BAP1):c.1918G>T (p.Glu640Ter)

Gene: BAP1 (BRCA1 associated deubiquitinase 1; minus strand). Cytogenetic location: 3p21.1.
Variant type: single nucleotide variant.
Coding change: c.1918G>T on transcript NM_004656.4 (MANE Select); coding-DNA position 1918, G replaced by T.
Protein change: p.Glu640Ter; replaces glutamic acid 640 with a stop codon.
Molecular consequence: nonsense.
Genome position (GRCh38, 1-based): chr3:52,402,844, C>A on the plus strand (G>T on the coding strand, the complement: BAP1 is on the minus strand). VCF-style: chr3-52402844-C-A. GRCh37 (hg19) VCF-style: chr3-52436860-C-A.
Other names: c.1864G>T, p.Glu622Ter (NM_001410772.1); c.1918G>T (NM_004656.3); short protein forms E640*, E622*.
Identifiers: ClinVar variation 1782610 (VCV001782610.5), dbSNP rs1705010531, ClinGen allele CA353096793.